The following is an entry in ClinVar:

ClinVar aggregate classification (germline): Uncertain significance (1 of 4 stars; one submission).

Conditions:
EGFR-related lung cancer (EGFR). Identifiers: MedGen CN130014.

Submission:

Labcorp Genetics (formerly Invitae), Labcorp
Classification: Uncertain significance for EGFR-related lung cancer. Last evaluated: 2025-04-09. Review status: criteria provided, single submitter. Criteria: Invitae Variant Classification Sherloc (09022015). Collection method: clinical testing. Allele origin: germline.
Comment: This sequence change replaces glutamine, which is neutral and polar, with glutamic acid, which is acidic and polar, at codon 1173 of the EGFR protein (p.Gln1173Glu). This variant is not present in population databases (gnomAD no frequency). This variant has not been reported in the literature in individuals affected with EGFR-related conditions. An algorithm developed to predict the effect of missense changes on protein structure and function (PolyPhen-2) suggests that this variant is likely to be tolerated. In summary, the available evidence is currently insufficient to determine the role of this variant in disease. Therefore, it has been classified as a Variant of Uncertain Significance.

NM_005228.5(EGFR):c.3517C>G (p.Gln1173Glu)

Gene: EGFR (epidermal growth factor receptor; plus strand). Cytogenetic location: 7p11.2.
Variant type: single nucleotide variant.
Coding change: c.3517C>G on transcript NM_005228.5 (MANE Select); coding-DNA position 3517, C replaced by G.
Protein change: p.Gln1173Glu; replaces glutamine 1173 with glutamic acid.
Molecular consequence: missense variant.
Genome position (GRCh38, 1-based): chr7:55,205,501, C>G. VCF-style: chr7-55205501-C-G. GRCh37 (hg19) VCF-style: chr7-55273194-C-G.
Other names: c.3382C>G, p.Gln1128Glu (NM_001346899.2); c.3358C>G, p.Gln1120Glu (NM_001346900.2); c.2716C>G, p.Gln906Glu (NM_001346941.2); short protein forms Q1120E, Q1128E, Q906E, Q1173E.
Identifiers: ClinVar variation 4716936 (VCV004716936.1).